The following is an entry in ClinVar:

ClinVar aggregate classification (germline): Uncertain significance (1 of 4 stars; one submission).

Submission:

Dasa
Classification: Uncertain significance. Last evaluated: 2025-08-18. Review status: criteria provided, single submitter. Criteria: DASA Assertion Criteria. Collection method: clinical testing. Allele origin: germline.
Comment: NM_017547.4(FOXRED1):c.907G>A (p.Gly303Ser) is a missense variant that results in the substitution of glycine with serine. This variant is rare in population databases. The currently available literature and clinical evidence are not sufficient to establish a definitive association between this variant and the reported condition. Therefore, this variant is classified as a variant of uncertain significance.

NM_017547.4(FOXRED1):c.907G>A (p.Gly303Ser)

Gene: FOXRED1 (FAD dependent oxidoreductase domain containing 1; plus strand). Cytogenetic location: 11q24.2.
Variant type: single nucleotide variant.
Coding change: c.907G>A on transcript NM_017547.4 (MANE Select); coding-DNA position 907, G replaced by A.
Protein change: p.Gly303Ser; replaces glycine 303 with serine.
Molecular consequence: missense variant. On other transcripts: non-coding transcript variant (3).
Genome position (GRCh38, 1-based): chr11:126,276,155, G>A. VCF-style: chr11-126276155-G-A. GRCh37 (hg19) VCF-style: chr11-126146050-G-A.
Other names: c.937G>A, p.Gly313Ser (NM_001425160.1); c.907G>A, p.Gly303Ser (NM_001425161.1, NM_001425163.1, NM_001425165.1 and 1 more transcripts); c.904G>A, p.Gly302Ser (NM_001425164.1); c.805G>A, p.Gly269Ser (NM_001425167.1); c.397G>A, p.Gly133Ser (NM_001425168.1, NM_001425169.1, NM_001425170.1); c.346G>A, p.Gly116Ser (NM_001425171.1, NM_001425172.1); c.274G>A, p.Gly92Ser (NM_001425173.1, NM_001425174.1, NM_001425175.1); short protein forms G303S, G313S, G92S, G116S, G133S, G269S, G302S.
Identifiers: ClinVar variation 4882589 (VCV004882589.2).